The following is an entry in ClinVar:

NM_012401.4(PLXNB2):c.2248G>A (p.Asp750Asn)

Gene: PLXNB2 (plexin B2; minus strand). Cytogenetic location: 22q13.33.
Variant type: single nucleotide variant.
Coding change: c.2248G>A on transcript NM_012401.4 (MANE Select); coding-DNA position 2248, G replaced by A.
Protein change: p.Asp750Asn; replaces aspartic acid 750 with asparagine.
Molecular consequence: missense variant.
Genome position (GRCh38, 1-based): chr22:50,284,147, C>T on the plus strand (G>A on the coding strand, the complement: PLXNB2 is on the minus strand). VCF-style: chr22-50284147-C-T. GRCh37 (hg19) VCF-style: chr22-50722576-C-T.
Other names: c.2248G>A, p.Asp750Asn (NM_001376864.1, NM_001376866.1, NM_001376867.1 and 18 more transcripts); c.2317G>A, p.Asp773Asn (NM_001376865.1); c.2155G>A, p.Asp719Asn (NM_001376886.1); short protein forms D719N, D750N, D773N.
Identifiers: ClinVar variation 1895422 (VCV001895422.1), dbSNP rs1332617247, ClinGen allele CA412168364.

ClinVar aggregate classification (germline): Pathogenic (0 of 4 stars; one submission).

Allele frequency attached by ClinVar (database versions not stated): gnomAD exomes below 0.00001; gnomAD 0.00001; TOPMed 0.00001.
gnomAD v4.1: 7 of 1,598,924 alleles (0.00044%); highest among the groups gnomAD compares: Non-Finnish European, 0.00051%; no homozygotes.

Submission:

Leeds Amelogenesis Imperfecta Research Group, University of Leeds
Classification: Pathogenic. Last evaluated: 2023-01-04. Review status: no assertion criteria provided. Collection method: research. Allele origin: biparental. Inheritance: Autosomal recessive inheritance. Affected: yes. Observed: 1 homozygote. Segregation with disease observed.
Comment: Variant is predicted to be damaging by all pathogenicity prediction software tested and residue affected is highly conserved, absent from gnomAD v1.6